The following is an entry in ClinVar:

NM_001105206.3(LAMA4):c.194A>T (p.Glu65Val)

Genes: LAMA4 (laminin subunit alpha 4; minus strand), LAMA4-AS1 (LAMA4 antisense RNA 1; plus strand). Cytogenetic location: 6q21.
Variant type: single nucleotide variant.
Coding change: c.194A>T on transcript NM_001105206.3 (MANE Select); coding-DNA position 194, A replaced by T.
Protein change: p.Glu65Val; replaces glutamic acid 65 with valine.
Molecular consequence: missense variant.
Genome position (GRCh38, 1-based): chr6:112,253,957, T>A on the plus strand (A>T on the coding strand, the complement: LAMA4 is on the minus strand). VCF-style: chr6-112253957-T-A. GRCh37 (hg19) VCF-style: chr6-112575159-T-A.
Other names: c.194A>T, p.Glu65Val (NM_001105207.3, NM_001105208.3, NM_001105209.3 and 1 more transcripts); short protein forms E65V.
Identifiers: ClinVar variation 1783183 (VCV001783183.2), dbSNP rs1787662315, ClinGen allele CA365518653.
Genomic context (GRCh38, chr6:112,253,957, plus strand): 5'-GGCACAGCCCGCGGGGGCGCAGGTGCCCCAGCAGGGTGGCAATGGCAGGGACACTGTACC[T>A]CGGCCGCAGGCGGCAGGCGTCCCAGAGCCACGCGGGGTTCGCTCGTCTCAGGCGGGTCTT-3'
Protein context (NP_001098676.2, residues 55-75): VALGRLPPAA[Glu65Val]KCNAGFFHTL

ClinVar aggregate classification (germline): Uncertain significance (1 of 4 stars; one submission).

Conditions:
Cardiovascular phenotype. Identifiers: MedGen CN230736.

Allele frequency attached by ClinVar (database versions not stated): gnomAD exomes below 0.00001.
gnomAD v4.1: 3 of 1,597,230 alleles (0.00019%); highest among the groups gnomAD compares: African/African-American, 0.004%; no homozygotes.

Submission:

Ambry Genetics
Classification: Uncertain significance for Cardiovascular phenotype. Last evaluated: 2020-03-18. Review status: criteria provided, single submitter. Criteria: Ambry Variant Classification Scheme 2023. Collection method: clinical testing. Allele origin: germline.
Comment: The p.E65V variant (also known as c.194A>T), located in coding exon 1 of the LAMA4 gene, results from an A to T substitution at nucleotide position 194. The glutamic acid at codon 65 is replaced by valine, an amino acid with dissimilar properties. This amino acid position is not well conserved in available vertebrate species. In addition, the in silico prediction for this alteration is inconclusive. Since supporting evidence is limited at this time, the clinical significance of this alteration remains unclear.